The following is an entry in ClinVar:

ClinVar aggregate classification (germline): Benign (1 of 4 stars; one submission).

Allele frequency attached by ClinVar (database versions not stated): 1000 Genomes Project 0.00300; ESP Exome Variant Server 0.00618; gnomAD 0.00642; gnomAD exomes 0.01151; ExAC 0.02396; 1000 Genomes Project 30x 0.00328; TOPMed 0.00606.

Submission:

CeGaT Center for Human Genetics Tuebingen
Classification: Benign. Last evaluated: 2022-10-01. Review status: criteria provided, single submitter. Criteria: CeGaT Center For Human Genetics Tuebingen Variant Classification Criteria Version 2. Collection method: clinical testing. Allele origin: germline. Affected: yes. Observed: 1 variant allele.
Comment: IQSEC3: BS1, BS2

NM_001170738.2(IQSEC3):c.787G>A (p.Gly263Ser)

Gene: IQSEC3 (IQ motif and Sec7 domain ArfGEF 3; plus strand). Cytogenetic location: 12p13.33.
Variant type: single nucleotide variant.
Coding change: c.787G>A on transcript NM_001170738.2 (MANE Select); coding-DNA position 787, G replaced by A.
Protein change: p.Gly263Ser; replaces glycine 263 with serine.
Molecular consequence: missense variant. On other transcripts: intron variant (1).
Genome position (GRCh38, 1-based): chr12:125,796, G>A. VCF-style: chr12-125796-G-A. GRCh37 (hg19) VCF-style: chr12-234962-G-A.
Other names: c.-6-12471G>A (NM_015232.2); short protein forms G263S.
Identifiers: ClinVar variation 2642556 (VCV002642556.24), dbSNP rs199751187, ClinGen allele CA6376137.